The following is an entry in ClinVar:

ClinVar aggregate classification (germline): Likely pathogenic (1 of 4 stars; one submission).

Conditions:
Gaucher disease. Also called: Acute cerebral Gaucher disease; Cerebroside lipidosis syndrome; Gaucher splenomegaly; Sphingolipidosis 1; Glucocerebrosidosis; Glucosylceramidase deficiency. Identifiers: Orphanet 355, MedGen C0017205, MONDO:0018150.

Submission:

Natera, Inc.
Classification: Likely pathogenic for Gaucher disease. Last evaluated: 2024-08-17. Review status: criteria provided, single submitter. Criteria: Natera Variant Classification Schema (03/2026). Collection method: clinical testing. Allele origin: germline.
Comment: The c.761+1G>A variant in GBA1 is a canonical splice donor site variant predicted to affect pre-mRNA splicing, which may result in an abnormal transcript and altered protein product. This variant is expected to result in nonsense mediated decay, truncation, or a dysfunctional protein product. This variant is rare in the general population with a frequency below the threshold expected for the associated phenotype(s). Given the available evidence, this variant is classified as Likely Pathogenic.

NM_000157.4(GBA1):c.761+1G>A

Genes: GBA1 (glucosylceramidase beta 1; minus strand), LOC106627981 (GBA recombination region; plus strand). Cytogenetic location: 1q22.
Variant type: single nucleotide variant.
Coding change: c.761+1G>A on transcript NM_000157.4 (MANE Select); the canonical splice donor site of the intron after coding-DNA position 761, G replaced by A.
Molecular consequence: splice donor variant.
Genome position (GRCh38, 1-based): chr1:155,238,133, C>T on the plus strand (G>A on the coding strand, the complement: GBA1 is on the minus strand). VCF-style: chr1-155238133-C-T. GRCh37 (hg19) VCF-style: chr1-155207924-C-T.
Other names: c.500+1G>A (NM_001171811.2); c.761+1G>A (NM_001005742.3, NM_001005741.3); c.614+1G>A (NM_001171812.2).
Identifiers: ClinVar variation 4817805 (VCV004817805.1).